The following is an entry in ClinVar:

NM_001330260.2(SCN8A):c.707-19G>A

Gene: SCN8A (sodium voltage-gated channel alpha subunit 8; plus strand). Cytogenetic location: 12q13.13.
Variant type: single nucleotide variant.
Coding change: c.707-19G>A on transcript NM_001330260.2 (MANE Select); 19 bases into the intron before coding-DNA position 707, G replaced by A.
Molecular consequence: intron variant.
Genome position (GRCh38, 1-based): chr12:51,699,551, G>A. VCF-style: chr12-51699551-G-A. GRCh37 (hg19) VCF-style: chr12-52093335-G-A.
Other names: c.707-19G>A (NM_014191.4, NM_001177984.3, NM_001369788.1).
Identifiers: ClinVar variation 1592082 (VCV001592082.11), dbSNP rs2306553, ClinGen allele CA6571145.

ClinVar aggregate classification (germline): Likely benign. Review status: criteria provided, multiple submitters, no conflicts (2 of 4 stars). 2 submissions from 2 submitters: Likely benign (2). Last evaluated 2025-12-15.

Conditions:
Early-infantile DEE. Also called: Ohtahara syndrome; Early infantile epileptic encephalopathy; Early infantile epileptic encephalopathy with suppression bursts. Identifiers: Orphanet 1934, MedGen C0393706, MONDO:0800491.

Allele frequency attached by ClinVar (database versions not stated): TOPMed 0.00003; gnomAD 0.00004 and 0.00013; gnomAD exomes 0.00007 and 0.00026; ExAC 0.00010; 1000 Genomes Project 30x 0.00078; 1000 Genomes Project 0.00100.
gnomAD v4.1: 384 of 1,592,530 alleles (0.024%); highest among the groups gnomAD compares: East Asian, 0.83%; 6 homozygotes.

Submissions (2):

Labcorp Genetics (formerly Invitae), Labcorp
Classification: Likely benign for Early-infantile DEE. Last evaluated: 2025-12-15. Review status: criteria provided, single submitter. Criteria: Invitae Variant Classification Sherloc (09022015). Collection method: clinical testing. Allele origin: germline.

GeneDx
Classification: Likely benign. Last evaluated: 2019-11-18. Review status: criteria provided, single submitter. Criteria: GeneDx Variant Classification Process June 2021. Collection method: clinical testing. Allele origin: germline. Affected: yes.
Comment: In silico analysis, which includes splice predictors and evolutionary conservation, supports a deleterious effect